The following is an entry in ClinVar:

NM_000180.4(GUCY2D):c.2376G>A (p.Pro792=)

Gene: GUCY2D (guanylate cyclase 2D, retinal; plus strand). Cytogenetic location: 17p13.1.
Variant type: single nucleotide variant.
Coding change: c.2376G>A on transcript NM_000180.4 (MANE Select); coding-DNA position 2376, G replaced by A.
Protein change: p.Pro792=; no amino-acid change (proline 792 retained).
Molecular consequence: synonymous variant.
Genome position (GRCh38, 1-based): chr17:8,013,992, G>A. VCF-style: chr17-8013992-G-A. GRCh37 (hg19) VCF-style: chr17-7917310-G-A.
Other names: c.2376G>A (NM_000180.3).
Identifiers: ClinVar variation 1561531 (VCV001561531.10), dbSNP rs770484034, ClinGen allele CA8366100.

ClinVar aggregate classification (germline): Likely benign. Review status: criteria provided, multiple submitters, no conflicts (2 of 4 stars). 3 submissions from 3 submitters: Likely benign (3). Last evaluated 2025-07-26.

Conditions:
Leber congenital amaurosis 1 (LCA1). Also called: AMAUROSIS CONGENITA OF LEBER I; Congenital absence of the rods and cones; Leber's congenital tapetoretinal degeneration; Leber's congenital tapetoretinal dysplasia; RETINAL BLINDNESS, CONGENITAL. Identifiers: Orphanet 65, MedGen C2931258, MONDO:0008764, OMIM 204000.
Cone-rod dystrophy 6 (CORD6). Also called: Cone dystrophy progressive; RETINAL CONE DYSTROPHY 2. Identifiers: Orphanet 1872, MedGen C1866293, MONDO:0011143, OMIM 601777.
GUCY2D-related disorder. Also called: GUCY2D-related condition.

gnomAD v4.1: 27 of 1,613,568 alleles (0.0017%); highest among the groups gnomAD compares: African/African-American, 0.012%; no homozygotes.

Submissions (3):

PreventionGenetics, part of Exact Sciences
Classification: Likely benign for GUCY2D-related condition. Last evaluated: 2025-07-26. Review status: criteria provided, single submitter. Criteria: ACMG Guidelines, 2015. Collection method: clinical testing. Allele origin: germline.
Comment: This variant is classified as likely benign based on ACMG/AMP sequence variant interpretation guidelines (Richards et al. 2015 PMID: 25741868, with internal and published modifications).

Labcorp Genetics (formerly Invitae), Labcorp
Classification: Likely benign for Leber congenital amaurosis 1; Cone-rod dystrophy 6. Last evaluated: 2025-04-08. Review status: criteria provided, single submitter. Criteria: Invitae Variant Classification Sherloc (09022015). Collection method: clinical testing. Allele origin: germline.

Blueprint Genetics
Classification: Likely benign. Last evaluated: 2024-06-07. Review status: criteria provided, single submitter. Criteria: ACMG Guidelines, 2015. Collection method: clinical testing. Allele origin: germline.